The following is an entry in ClinVar:

ClinVar aggregate classification (germline): Benign/Likely benign. Review status: criteria provided, multiple submitters, no conflicts (2 of 4 stars). 10 submissions from 10 submitters: Benign (2); Likely benign (7). 1 of the submissions does not count toward it. Last evaluated 2026-05-04.

Conditions:
COL12A1-related disorder. Also called: COL12A1-related condition.
Ullrich congenital muscular dystrophy 2 (UCMD2). Identifiers: Orphanet 75840, MedGen C4225314, MONDO:0014654, OMIM 616470.
Bethlem myopathy 2 (BTHLM2). Identifiers: Orphanet 536516, Orphanet 610, MedGen C4225313, MONDO:0034022, OMIM 616471.

Allele frequency attached by ClinVar (database versions not stated): ExAC 0.00081; ESP Exome Variant Server 0.00201; gnomAD 0.00215 and 0.00224; TOPMed 0.00249; 1000 Genomes Project 0.00539; 1000 Genomes Project 30x 0.00578.
gnomAD v4.1: 691 of 1,614,026 alleles (0.043%); highest among the groups gnomAD compares: African/African-American, 0.71%; 3 homozygotes.

Submissions (10):

Women's Health and Genetics/Laboratory Corporation of America, LabCorp
Classification: Likely benign. Last evaluated: 2026-05-04. Review status: criteria provided, single submitter. Criteria: LabCorp Variant Classification Summary - May 2015. Collection method: clinical testing. Allele origin: germline.
Comment: Variant summary: COL12A1 c.2275C>T (p.Pro759Ser) results in a non-conservative amino acid change in the encoded protein sequence. Algorithms developed to predict the effect of missense changes on protein structure and function are either unavailable or do not agree on the potential impact of this missense change. The variant allele was found at a frequency of 0.00064 in 249410 control chromosomes, predominantly at a frequency of 0.0075 within the African or African-American subpopulation in the gnomAD database, including 1 homozygotes. The observed variant frequency within African or African-American control individuals in the gnomAD database exceeds the estimated maximal expected allele frequency for disease-causing variants in COL12A1. To our knowledge, no occurrence of c.2275C>T in individuals affected with COL12A1-related conditions and no experimental evidence demonstrating its impact on protein function have been reported. ClinVar contains an entry for this variant (Variation ID: 259325). Based on the evidence outlined above, the variant was classified as likely benign.

Labcorp Genetics (formerly Invitae), Labcorp
Classification: Benign for Bethlem myopathy 2; Ullrich congenital muscular dystrophy 2. Last evaluated: 2026-02-01. Review status: criteria provided, single submitter. Criteria: Invitae Variant Classification Sherloc (09022015). Collection method: clinical testing. Allele origin: germline.

Genomic Medicine Center of Excellence, King Faisal Specialist Hospital and Research Centre
Classification: Likely benign. Last evaluated: 2025-08-18. Review status: criteria provided, single submitter. Criteria: ACMG Guidelines, 2015. Collection method: clinical testing. Allele origin: germline.

Mayo Clinic Laboratories, Mayo Clinic
Classification: Benign. Last evaluated: 2025-02-03. Review status: criteria provided, single submitter. Criteria: ACMG Guidelines, 2015. Collection method: clinical testing. Allele origin: germline. Observed: 3 variant alleles.
Comment: BS1, BS2, BP4_moderate

Blueprint Genetics
Classification: Likely benign. Last evaluated: 2024-11-01. Review status: criteria provided, single submitter. Criteria: ACMG Guidelines, 2015. Collection method: clinical testing. Allele origin: germline.

CeGaT Center for Human Genetics Tuebingen
Classification: Likely benign. Last evaluated: 2023-10-01. Review status: criteria provided, single submitter. Criteria: CeGaT Center For Human Genetics Tuebingen Variant Classification Criteria Version 2. Collection method: clinical testing. Allele origin: germline. Affected: yes. Observed: 2 variant alleles.
Comment: COL12A1: BP4, BS2

GeneDx
Classification: Likely benign. Last evaluated: 2021-05-18. Review status: criteria provided, single submitter. Criteria: GeneDx Variant Classification Process June 2021. Collection method: clinical testing. Allele origin: germline. Affected: yes.

Breakthrough Genomics
Classification: Likely benign. Review status: criteria provided, single submitter. Criteria: ACMG Guidelines, 2015. Collection method: not provided. Allele origin: germline. Inheritance: Autosomal recessive inheritance. Affected: yes.

Center for Genomics, Ann and Robert H. Lurie Children's Hospital of Chicago
Classification: Likely benign for Bethlem myopathy 2; Ullrich congenital muscular dystrophy 2. Review status: criteria provided, single submitter. Criteria: ACMG Guidelines, 2015. Collection method: clinical testing. Allele origin: germline.
Comment: This variant has not been reported in the literature but is present in 0.7% (290/41390) of African/African American alleles, including 2 homozygotes, in the Genome Aggregation Database. This variant is present in ClinVar, with multiple laboratories classified as Likely Benign or Benign (Variation ID:259325). Computational predictive tools suggest that this variant does not impact the protein, but evolutionary conservation tools are unclear. In summary, data on this variant suggests that this variant does not cause disease but requires further evidence. Therefore, this variant is classified as likely benign.

PreventionGenetics, part of Exact Sciences
Classification: Benign for COL12A1-related condition. Last evaluated: 2021-04-14. Review status: no assertion criteria provided. Collection method: clinical testing. Allele origin: germline. Not counted in ClinVar's aggregate classification.
Comment: This variant is classified as benign based on ACMG/AMP sequence variant interpretation guidelines (Richards et al. 2015 PMID: 25741868, with internal and published modifications).

NM_004370.6(COL12A1):c.2275C>T (p.Pro759Ser)

Gene: COL12A1 (collagen type XII alpha 1 chain; minus strand). Cytogenetic location: 6q13.
Variant type: single nucleotide variant.
Coding change: c.2275C>T on transcript NM_004370.6 (MANE Select); coding-DNA position 2275, C replaced by T.
Protein change: p.Pro759Ser; replaces proline 759 with serine.
Molecular consequence: missense variant. On other transcripts: intron variant (1).
Genome position (GRCh38, 1-based): chr6:75,177,825, G>A on the plus strand (C>T on the coding strand, the complement: COL12A1 is on the minus strand). VCF-style: chr6-75177825-G-A. GRCh37 (hg19) VCF-style: chr6-75887541-G-A.
Other names: p.Pro759Ser; c.73+24895C>T (NM_080645.3); short protein forms P759S.
Identifiers: ClinVar variation 259325 (VCV000259325.47), dbSNP rs141517088, ClinGen allele CA3894014.
Genomic context (GRCh38, chr6:75,177,825, plus strand): 5'-GTGTTCTCCTCCTCTGATTGGGTGGGGTGGTAACTTCTCTGCTCTCTCCACCAGCAACTG[G>A]TCTATATATAATTCGATATCTTAAAACTCTCCCTGGAGCTTGAGTCCAAGTAATTTTGAA-3'
Protein context (NP_004361.3, residues 749-769): RVLRYRIIYR[Pro759Ser]VAGGESREVT